The following is an entry in ClinVar:

NM_018136.5(ASPM):c.9636+52T>C

Gene: ASPM (assembly factor for spindle microtubules; minus strand). Cytogenetic location: 1q31.3.
Variant type: single nucleotide variant.
Coding change: c.9636+52T>C on transcript NM_018136.5 (MANE Select); 52 bases into the intron after coding-DNA position 9636, T replaced by C.
Molecular consequence: intron variant.
Genome position (GRCh38, 1-based): chr1:197,090,798, A>G on the plus strand (T>C on the coding strand, the complement: ASPM is on the minus strand). VCF-style: chr1-197090798-A-G. GRCh37 (hg19) VCF-style: chr1-197059928-A-G.
Other names: c.4881+52T>C (NM_001206846.2).
Identifiers: ClinVar variation 673922 (VCV000673922.5), dbSNP rs4915316, ClinGen allele CA10931537.

ClinVar aggregate classification (germline): Benign. Review status: criteria provided, multiple submitters, no conflicts (2 of 4 stars). 3 submissions from 3 submitters: Benign (3). Last evaluated 2021-07-14.

Conditions:
Microcephaly 5, primary, autosomal recessive (MCPH5). Also called: ASPM Primary Microcephaly. Identifiers: Orphanet 2512, MedGen C1837501, MONDO:0012106, OMIM 608716.

Allele frequency attached by ClinVar (database versions not stated): 1000 Genomes Project 30x 0.74141; TOPMed 0.74141; ESP Exome Variant Server 0.74529; gnomAD 0.74861 and 0.76063; 1000 Genomes Project 0.75639.
gnomAD v4.1: 1,330,015 of 1,509,050 alleles (88%); highest among the groups gnomAD compares: East Asian, 98%; 596,680 homozygotes.

Submissions (3):

Genome-Nilou Lab
Classification: Benign for Microcephaly 5, primary, autosomal recessive. Last evaluated: 2021-07-14. Review status: criteria provided, single submitter. Criteria: ACMG Guidelines, 2015. Collection method: clinical testing. Allele origin: germline. Affected: no.

GeneDx
Classification: Benign. Last evaluated: 2018-06-19. Review status: criteria provided, single submitter. Criteria: GeneDx Variant Classification (06012015). Collection method: clinical testing. Allele origin: germline. Affected: yes.
Comment: This variant is considered likely benign or benign based on one or more of the following criteria: it is a conservative change, it occurs at a poorly conserved position in the protein, it is predicted to be benign by multiple in silico algorithms, and/or has population frequency not consistent with disease.

Breakthrough Genomics
Classification: Benign. Review status: criteria provided, single submitter. Criteria: ACMG Guidelines, 2015. Collection method: not provided. Allele origin: germline. Inheritance: Autosomal recessive inheritance. Affected: yes.